The following is an entry in ClinVar:

NM_006231.4(POLE):c.155G>T (p.Arg52Leu)

Gene: POLE (DNA polymerase epsilon, catalytic subunit; minus strand). Cytogenetic location: 12q24.33.
Variant type: single nucleotide variant.
Coding change: c.155G>T on transcript NM_006231.4 (MANE Select); coding-DNA position 155, G replaced by T.
Protein change: p.Arg52Leu; replaces arginine 52 with leucine.
Molecular consequence: missense variant.
Genome position (GRCh38, 1-based): chr12:132,681,187, C>A on the plus strand (G>T on the coding strand, the complement: POLE is on the minus strand). VCF-style: chr12-132681187-C-A. GRCh37 (hg19) VCF-style: chr12-133257773-C-A.
Other names: c.155G>T (NM_006231.2); short protein forms R52L.
Identifiers: ClinVar variation 1036932 (VCV001036932.10), dbSNP rs372459649, ClinGen allele CA387369932.
Genomic context (GRCh38, chr12:132,681,187, plus strand): 5'-CTAGTGCTTACAGGATGCATGTTAATGAGCCAGCCTGTCTTCTCACCAGGCTCCTTCAGC[C>A]GCTCAAAACCAAACCGCAAATCCATCTTATCCGTCCACTGACTCCGTTCCAGGCGCTTGA-3'
Protein context (NP_006222.2, residues 42-62): DKMDLRFGFE[Arg52Leu]LKEPGEKTGW

ClinVar aggregate classification (germline): Uncertain significance. Review status: criteria provided, multiple submitters, no conflicts (2 of 4 stars). 2 submissions from 2 submitters: Uncertain significance (2). Last evaluated 2026-03-29.

Conditions:
Hereditary cancer-predisposing syndrome. Also called: Hereditary neoplastic syndrome; Neoplastic Syndromes, Hereditary; Tumor predisposition; Hereditary Cancer Syndrome. Identifiers: Orphanet 140162, MedGen C0027672, MeSH D009386, MONDO:0015356.

Submissions (2):

Ambry Genetics
Classification: Uncertain significance for Hereditary cancer-predisposing syndrome. Last evaluated: 2026-03-29. Review status: criteria provided, single submitter. Criteria: Ambry Variant Classification Scheme 2023. Collection method: clinical testing. Allele origin: germline.
Comment: The p.R52L variant (also known as c.155G>T), located in coding exon 2 of the POLE gene, results from a G to T substitution at nucleotide position 155. The arginine at codon 52 is replaced by leucine, an amino acid with dissimilar properties. This amino acid position is conserved. In addition, the in silico prediction for this alteration is inconclusive. Based on the available evidence, the clinical significance of this variant remains unclear.

Labcorp Genetics (formerly Invitae), Labcorp
Classification: Uncertain significance. Last evaluated: 2023-10-13. Review status: criteria provided, single submitter. Criteria: Invitae Variant Classification Sherloc (09022015). Collection method: clinical testing. Allele origin: germline.
Comment: This sequence change replaces arginine, which is basic and polar, with leucine, which is neutral and non-polar, at codon 52 of the POLE protein (p.Arg52Leu). This variant is not present in population databases (gnomAD no frequency). This variant has not been reported in the literature in individuals affected with POLE-related conditions. ClinVar contains an entry for this variant (Variation ID: 1036932). Advanced modeling of protein sequence and biophysical properties (such as structural, functional, and spatial information, amino acid conservation, physicochemical variation, residue mobility, and thermodynamic stability) performed at Invitae indicates that this missense variant is not expected to disrupt POLE protein function. In summary, the available evidence is currently insufficient to determine the role of this variant in disease. Therefore, it has been classified as a Variant of Uncertain Significance.